The following is an entry in ClinVar:

NR_023343.3(RNU4ATAC):n.25C>G

Genes: CLASP1-AS1 (CLASP1 antisense RNA 1; plus strand), RNU4ATAC (RNA, U4atac small nuclear; plus strand), CLASP1 (cytoplasmic linker associated protein 1; minus strand). Cytogenetic location: 2q14.2.
Variant type: single nucleotide variant.
Molecular consequence: intron variant (on NM_001395891.1).
Genome position: GRCh38 VCF-style: chr2-121530904-C-G. GRCh37 (hg19) VCF-style: chr2-122288480-C-G.
Other names: c.196-579G>C (NM_001142274.2, NM_015282.3, NM_001378003.1 and 5 more transcripts).
Identifiers: ClinVar variation 1472138 (VCV001472138.4), dbSNP rs570265345, ClinGen allele CA54810792.

ClinVar aggregate classification (germline): Uncertain significance. Review status: criteria provided, multiple submitters, no conflicts (2 of 4 stars). 2 submissions from 2 submitters: Uncertain significance (2). Last evaluated 2024-12-18.

Conditions:
RNU4ATAC-related disorder. Also called: RNU4ATAC-related condition.

gnomAD v4.1: 31 of 697,466 alleles (0.0044%); highest among the groups gnomAD compares: Admixed American, 0.006%; no homozygotes.

Submissions (2):

PreventionGenetics, part of Exact Sciences
Classification: Uncertain significance for RNU4ATAC-related condition. Last evaluated: 2024-12-18. Review status: criteria provided, single submitter. Criteria: ACMG Guidelines, 2015. Collection method: clinical testing. Allele origin: germline.
Comment: The RNU4ATAC n.25C>G is a noncoding alteration. To our knowledge, this variant has not been reported in the literature. This variant is reported in 0.014% of alleles in individuals of African descent in gnomAD. At this time, the clinical significance of this variant is uncertain due to the absence of conclusive functional and genetic evidence.

Labcorp Genetics (formerly Invitae), Labcorp
Classification: Uncertain significance. Last evaluated: 2022-08-31. Review status: criteria provided, single submitter. Criteria: Invitae Variant Classification Sherloc (09022015). Collection method: clinical testing. Allele origin: germline.
Comment: This variant occurs in the RNU4ATAC gene, which encodes an RNA molecule that does not result in a protein product. This variant is present in population databases (no rsID available, gnomAD 0.01%). This variant has not been reported in the literature in individuals affected with RNU4ATAC-related conditions. ClinVar contains an entry for this variant (Variation ID: 1472138). Experimental studies and prediction algorithms are not available or were not evaluated, and the functional significance of this variant is currently unknown. In summary, the available evidence is currently insufficient to determine the role of this variant in disease. Therefore, it has been classified as a Variant of Uncertain Significance.